The following is an entry in ClinVar:

NM_080425.4(GNAS):c.1620G>T (p.Pro540=)

Gene: GNAS (GNAS complex locus; plus strand). Cytogenetic location: 20q13.32.
Variant type: single nucleotide variant.
Coding change: c.1620G>T on transcript NM_080425.4 (MANE Plus Clinical); coding-DNA position 1620, G replaced by T.
Protein change: p.Pro540=; no amino-acid change (proline 540 retained).
Molecular consequence: synonymous variant. On other transcripts: missense variant (2), intron variant (3).
Genome position (GRCh38, 1-based): chr20:58,854,885, G>T. VCF-style: chr20-58854885-G-T. GRCh37 (hg19) VCF-style: chr20-57429940-G-T.
Other names: c.1433G>T, p.Arg478Leu (NM_001077490.3, NM_001309883.1); c.1620G>T, p.Pro540= (NM_001410913.1); c.*42+13999G>T (NM_016592.5); c.43+13999G>T (NM_001410912.1); c.-39+13010G>T (NM_001309861.2); short protein forms R478L.
Identifiers: ClinVar variation 3350310 (VCV003350310.1).

ClinVar aggregate classification (germline): Uncertain significance (0 of 4 stars; one submission).

Conditions:
GNAS-related disorder. Identifiers: MedGen CN380105.

gnomAD v4.1: 57 of 1,593,636 alleles (0.0036%); highest among the groups gnomAD compares: Admixed American, 0.091%; no homozygotes.

Submission:

PreventionGenetics, part of Exact Sciences
Classification: Uncertain significance for GNAS-related condition. Last evaluated: 2024-05-02. Review status: no assertion criteria provided. Collection method: clinical testing. Allele origin: germline.
Comment: The GNAS c.1433G>T variant is predicted to result in the amino acid substitution p.Arg478Leu. To our knowledge, this variant has not been reported in the literature. This variant is reported in 0.073% of alleles in individuals of Latino descent in gnomAD. Although we suspect that this variant may be benign, at this time, the clinical significance of this variant is uncertain due to the absence of conclusive functional and genetic evidence.